The following is an entry in ClinVar:

ClinVar aggregate classification (germline): Benign/Likely benign. Review status: criteria provided, multiple submitters, no conflicts (2 of 4 stars). 2 submissions from 2 submitters: Benign (1); Likely benign (1). Last evaluated 2024-09-12.

Conditions:
Hereditary diffuse gastric adenocarcinoma (HDGC). Also called: DIFFUSE GASTRIC AND LOBULAR BREAST CANCER SYNDROME. Identifiers: Orphanet 26106, MedGen C1708349, MONDO:0007648, OMIM 137215.

Submissions (2):

Myriad Genetics, Inc.
Classification: Benign for Hereditary diffuse gastric adenocarcinoma. Last evaluated: 2024-09-12. Review status: criteria provided, single submitter. Criteria: Myriad Autosomal Dominant, Autosomal Recessive and X-Linked Classification Criteria (2023). Collection method: clinical testing. Allele origin: unknown.
Comment: This variant is considered benign. This variant is a silent/synonymous amino acid change and it is not expected to impact splicing.

Labcorp Genetics (formerly Invitae), Labcorp
Classification: Likely benign for Hereditary diffuse gastric adenocarcinoma. Last evaluated: 2024-04-11. Review status: criteria provided, single submitter. Criteria: Invitae Variant Classification Sherloc (09022015). Collection method: clinical testing. Allele origin: germline.

NM_004360.5(CDH1):c.228A>G (p.Lys76=)

Gene: CDH1 (cadherin 1; plus strand). Cytogenetic location: 16q22.1.
Variant type: single nucleotide variant.
Coding change: c.228A>G on transcript NM_004360.5 (MANE Select); coding-DNA position 228, A replaced by G.
Protein change: p.Lys76=; no amino-acid change (lysine 76 retained).
Molecular consequence: synonymous variant. On other transcripts: 5 prime UTR variant (2).
Genome position (GRCh38, 1-based): chr16:68,801,734, A>G. VCF-style: chr16-68801734-A-G. GRCh37 (hg19) VCF-style: chr16-68835637-A-G.
Other names: c.228A>G, p.Lys76= (NM_001317184.2); c.-1388A>G (NM_001317185.2); c.-1592A>G (NM_001317186.2).
Identifiers: ClinVar variation 3378619 (VCV003378619.3).